The following is an entry in ClinVar:

ClinVar aggregate classification (germline): Uncertain significance. Review status: criteria provided, multiple submitters, no conflicts (2 of 4 stars). 4 submissions from 4 submitters: Uncertain significance (4). Last evaluated 2023-12-28.

Conditions:
Inborn genetic diseases. Identifiers: MedGen C0950123, MeSH D030342.
Intellectual developmental disorder, autosomal recessive 13. Also called: Intellectual disability, autosomal recessive 13. Identifiers: Orphanet 88616, MedGen C2750791, MONDO:0013173, OMIM 613192.

Allele frequency attached by ClinVar (database versions not stated): gnomAD 0.00001 and 0.00005; TOPMed 0.00005; gnomAD exomes 0.00009 and 0.00017; ExAC 0.00017; 1000 Genomes Project 0.00020; 1000 Genomes Project 30x 0.00031.
gnomAD v4.1: 137 of 1,613,930 alleles (0.0085%); highest among the groups gnomAD compares: South Asian, 0.091%; no homozygotes.

Submissions (4):

Ambry Genetics
Classification: Uncertain significance for Inborn genetic diseases. Last evaluated: 2023-12-28. Review status: criteria provided, single submitter. Criteria: Ambry Variant Classification Scheme 2023. Collection method: clinical testing. Allele origin: germline.

Labcorp Genetics (formerly Invitae), Labcorp
Classification: Uncertain significance. Last evaluated: 2022-06-22. Review status: criteria provided, single submitter. Criteria: Invitae Variant Classification Sherloc (09022015). Collection method: clinical testing. Allele origin: germline.
Comment: This sequence change replaces proline, which is neutral and non-polar, with leucine, which is neutral and non-polar, at codon 964 of the TRAPPC9 protein (p.Pro964Leu). This variant is present in population databases (rs199948844, gnomAD 0.09%). This variant has not been reported in the literature in individuals affected with TRAPPC9-related conditions. ClinVar contains an entry for this variant (Variation ID: 212425). Algorithms developed to predict the effect of missense changes on protein structure and function are either unavailable or do not agree on the potential impact of this missense change (SIFT: "Not Available"; PolyPhen-2: "Probably Damaging"; Align-GVGD: "Not Available"). In summary, the available evidence is currently insufficient to determine the role of this variant in disease. Therefore, it has been classified as a Variant of Uncertain Significance.

Revvity Omics, Revvity
Classification: Uncertain significance for Intellectual developmental disorder, autosomal recessive 13. Last evaluated: 2022-01-12. Review status: criteria provided, single submitter. Criteria: ACMG Guidelines, 2015. Collection method: clinical testing. Allele origin: germline.

Genetic Services Laboratory, University of Chicago
Classification: Uncertain significance. Last evaluated: 2014-12-07. Review status: criteria provided, single submitter. Criteria: ACMG Guidelines, 2015. Collection method: clinical testing. Allele origin: germline.

NM_001160372.4(TRAPPC9):c.2597C>T (p.Pro866Leu)

Gene: TRAPPC9 (trafficking protein particle complex subunit 9; minus strand). Cytogenetic location: 8q24.3.
Variant type: single nucleotide variant.
Coding change: c.2597C>T on transcript NM_001160372.4 (MANE Select); coding-DNA position 2597, C replaced by T.
Protein change: p.Pro866Leu; replaces proline 866 with leucine.
Molecular consequence: missense variant. On other transcripts: non-coding transcript variant (1).
Genome position (GRCh38, 1-based): chr8:140,024,039, G>A on the plus strand (C>T on the coding strand, the complement: TRAPPC9 is on the minus strand). VCF-style: chr8-140024039-G-A. GRCh37 (hg19) VCF-style: chr8-141034136-G-A.
Other names: c.2891C>T (NM_031466.7); c.2570C>T, p.Pro857Leu (NM_001321646.2); c.2618C>T, p.Pro873Leu (NM_001374682.1); c.2597C>T, p.Pro866Leu (NM_001374683.1, NM_031466.8); c.2453C>T, p.Pro818Leu (NM_001374684.1); short protein forms P866L, P857L, P818L, P873L.
Identifiers: ClinVar variation 212425 (VCV000212425.11), dbSNP rs199948844, ClinGen allele CA205665.